The following is an entry in ClinVar:

ClinVar aggregate classification (germline): Uncertain significance (1 of 4 stars; one submission).

Conditions:
Baller-Gerold syndrome (BGS). Also called: CRANIOSYNOSTOSIS WITH RADIAL DEFECTS. Identifiers: Orphanet 1225, MedGen C0265308, MONDO:0009039, OMIM 218600.

Submission:

Labcorp Genetics (formerly Invitae), Labcorp
Classification: Uncertain significance for Baller-Gerold syndrome. Last evaluated: 2019-02-22. Review status: criteria provided, single submitter. Criteria: Invitae Variant Classification Sherloc (09022015). Collection method: clinical testing. Allele origin: germline.
Comment: This variant results in a copy number gain of the genomic region encompassing exons 13-21 of the RECQL4 gene. The 5' boundary is likely confined to intron 12. The 3' end of this event is unknown as it extends beyond the assayed region for this gene and therefore may encompass additional genes. As the precise location of this event is unknown, it may be in tandem or it may be located elsewhere in the genome. This variant has not been reported in the literature in individuals with RECQL4-related conditions. In summary, the available evidence is currently insufficient to determine the role of this variant in disease. Therefore, it has been classified as a Variant of Uncertain Significance.

NC_000008.10:g.(?_145736809)_(145739102_?)dup

Gene: RECQL4 (RecQ like helicase 4; minus strand). Cytogenetic location: 8q24.3.
Variant type: Duplication.
Identifiers: ClinVar variation 1015288 (VCV001015288.1).